The following is an entry in ClinVar:

NM_004863.4(SPTLC2):c.502A>G (p.Lys168Glu)

Gene: SPTLC2 (serine palmitoyltransferase long chain base subunit 2; minus strand). Cytogenetic location: 14q24.3.
Variant type: single nucleotide variant.
Coding change: c.502A>G on transcript NM_004863.4 (MANE Select); coding-DNA position 502, A replaced by G.
Protein change: p.Lys168Glu; replaces lysine 168 with glutamic acid.
Molecular consequence: missense variant.
Genome position (GRCh38, 1-based): chr14:77,576,896, T>C on the plus strand (A>G on the coding strand, the complement: SPTLC2 is on the minus strand). VCF-style: chr14-77576896-T-C. GRCh37 (hg19) VCF-style: chr14-78043239-T-C.
Other names: short protein forms K168E.
Identifiers: ClinVar variation 887061 (VCV000887061.12), dbSNP rs762005720, ClinGen allele CA7289430.

ClinVar aggregate classification (germline): Uncertain significance. Review status: criteria provided, multiple submitters, no conflicts (2 of 4 stars). 2 submissions from 2 submitters: Uncertain significance (2). Last evaluated 2025-12-01.

Conditions:
Neuropathy, hereditary sensory and autonomic, type 1C. Also called: HSAN IC; HSN IC. Identifiers: Orphanet 36386, MedGen C3150896, MONDO:0013337, OMIM 613640.

Allele frequency attached by ClinVar (database versions not stated): ExAC 0.00001; gnomAD 0.00001; gnomAD exomes 0.00001 and 0.00005; TOPMed 0.00001.
gnomAD v4.1: 73 of 1,614,002 alleles (0.0045%); highest among the groups gnomAD compares: Non-Finnish European, 0.0061%; no homozygotes.

Submissions (2):

Labcorp Genetics (formerly Invitae), Labcorp
Classification: Uncertain significance for Neuropathy, hereditary sensory and autonomic, type 1C. Last evaluated: 2025-12-01. Review status: criteria provided, single submitter. Criteria: Invitae Variant Classification Sherloc (09022015). Collection method: clinical testing. Allele origin: germline.
Comment: This sequence change replaces lysine, which is basic and polar, with glutamic acid, which is acidic and polar, at codon 168 of the SPTLC2 protein (p.Lys168Glu). This variant is present in population databases (rs762005720, gnomAD 0.002%). This variant has not been reported in the literature in individuals affected with SPTLC2-related conditions. ClinVar contains an entry for this variant (Variation ID: 887061). Invitae Evidence Modeling of protein sequence and biophysical properties (such as structural, functional, and spatial information, amino acid conservation, physicochemical variation, residue mobility, and thermodynamic stability) has been performed for this missense variant. However, the output from this modeling did not meet the statistical confidence thresholds required to predict the impact of this variant on SPTLC2 protein function. In summary, the available evidence is currently insufficient to determine the role of this variant in disease. Therefore, it has been classified as a Variant of Uncertain Significance.

Illumina Laboratory Services, Illumina
Classification: Uncertain significance for Neuropathy, hereditary sensory and autonomic, type 1C. Last evaluated: 2018-01-12. Review status: criteria provided, single submitter. Criteria: ICSL Variant Classification Criteria 13 December 2019. Collection method: clinical testing. Allele origin: germline.